The following is an entry in ClinVar:

NM_006206.6(PDGFRA):c.379G>C (p.Ala127Pro)

Gene: PDGFRA (platelet derived growth factor receptor alpha; plus strand). Cytogenetic location: 4q12.
Variant type: single nucleotide variant.
Coding change: c.379G>C on transcript NM_006206.6 (MANE Select); coding-DNA position 379, G replaced by C.
Protein change: p.Ala127Pro; replaces alanine 127 with proline.
Molecular consequence: missense variant.
Genome position (GRCh38, 1-based): chr4:54,263,678, G>C. VCF-style: chr4-54263678-G-C. GRCh37 (hg19) VCF-style: chr4-55129845-G-C.
Other names: c.379G>C, p.Ala127Pro (NM_001347827.2, NM_001347829.2); c.454G>C, p.Ala152Pro (NM_001347828.2); c.418G>C, p.Ala140Pro (NM_001347830.2); short protein forms A140P, A152P, A127P.
Identifiers: ClinVar variation 4744578 (VCV004744578.1).

ClinVar aggregate classification (germline): Uncertain significance (1 of 4 stars; one submission).

Conditions:
Gastrointestinal stromal tumor. Also called: Gastrointestinal stromal tumor, somatic; Gastrointestinal stroma tumor. Identifiers: Orphanet 44890, MedGen C0238198, MeSH D046152, MONDO:0011719, OMIM 606764, HP:0100723.

Submission:

Labcorp Genetics (formerly Invitae), Labcorp
Classification: Uncertain significance for Gastrointestinal stromal tumor. Last evaluated: 2025-02-23. Review status: criteria provided, single submitter. Criteria: Invitae Variant Classification Sherloc (09022015). Collection method: clinical testing. Allele origin: germline.
Comment: This sequence change replaces alanine, which is neutral and non-polar, with proline, which is neutral and non-polar, at codon 127 of the PDGFRA protein (p.Ala127Pro). This variant is not present in population databases (gnomAD no frequency). This variant has not been reported in the literature in individuals affected with PDGFRA-related conditions. Invitae Evidence Modeling of protein sequence and biophysical properties (such as structural, functional, and spatial information, amino acid conservation, physicochemical variation, residue mobility, and thermodynamic stability) indicates that this missense variant is not expected to disrupt PDGFRA protein function with a negative predictive value of 80%. Algorithms developed to predict the effect of sequence changes on RNA splicing suggest that this variant may create or strengthen a splice site. In summary, the available evidence is currently insufficient to determine the role of this variant in disease. Therefore, it has been classified as a Variant of Uncertain Significance.